The following is an entry in ClinVar:

NM_002334.4(LRP4):c.2863G>A (p.Gly955Arg)

Gene: LRP4 (LDL receptor related protein 4; minus strand). Cytogenetic location: 11p11.2.
Variant type: single nucleotide variant.
Coding change: c.2863G>A on transcript NM_002334.4 (MANE Select); coding-DNA position 2863, G replaced by A.
Protein change: p.Gly955Arg; replaces glycine 955 with arginine.
Molecular consequence: missense variant.
Genome position (GRCh38, 1-based): chr11:46,879,267, C>T on the plus strand (G>A on the coding strand, the complement: LRP4 is on the minus strand). VCF-style: chr11-46879267-C-T. GRCh37 (hg19) VCF-style: chr11-46900818-C-T.
Other names: c.2863G>A (NM_002334.3); short protein forms G955R.
Identifiers: ClinVar variation 1489607 (VCV001489607.5), dbSNP rs772232191, ClinGen allele CA5969763.

ClinVar aggregate classification (germline): Uncertain significance. Review status: criteria provided, multiple submitters, no conflicts (2 of 4 stars). 2 submissions from 2 submitters: Uncertain significance (2). Last evaluated 2025-01-21.

Conditions:
LRP4-related disorder. Also called: LRP4-related condition.
Sclerosteosis 2 (SOST2). Identifiers: Orphanet 3152, MedGen C3280402, MONDO:0013679, OMIM 614305.
Congenital myasthenic syndrome 17. Identifiers: Orphanet 590, MedGen C4225377, MONDO:0014578, OMIM 616304.
Cenani-Lenz syndactyly syndrome. Also called: CENANI SYNDACTYLISM; SYNDACTYLY, TYPE VII. Identifiers: Orphanet 3258, MedGen C1859309, MONDO:0008931, OMIM 212780.

Allele frequency attached by ClinVar (database versions not stated): ExAC 0.00001; gnomAD exomes 0.00001 and 0.00002; TOPMed 0.00002.
gnomAD v4.1: 8 of 1,614,208 alleles (0.0005%); highest among the groups gnomAD compares: Admixed American, 0.013%; no homozygotes.

Submissions (2):

PreventionGenetics, part of Exact Sciences
Classification: Uncertain significance for LRP4-related condition. Last evaluated: 2025-01-21. Review status: criteria provided, single submitter. Criteria: ACMG Guidelines, 2015. Collection method: clinical testing. Allele origin: germline.
Comment: The LRP4 c.2863G>A variant is predicted to result in the amino acid substitution p.Gly955Arg. To our knowledge, this variant has not been reported in the literature. This variant is reported in 0.014% of alleles in individuals of Latino descent in gnomAD. At this time, the clinical significance of this variant is uncertain due to the absence of conclusive functional and genetic evidence.

Labcorp Genetics (formerly Invitae), Labcorp
Classification: Uncertain significance for Cenani-Lenz syndactyly syndrome; Sclerosteosis 2; Congenital myasthenic syndrome 17. Last evaluated: 2021-11-17. Review status: criteria provided, single submitter. Criteria: Invitae Variant Classification Sherloc (09022015). Collection method: clinical testing. Allele origin: germline.
Comment: In summary, the available evidence is currently insufficient to determine the role of this variant in disease. Therefore, it has been classified as a Variant of Uncertain Significance. Algorithms developed to predict the effect of sequence changes on RNA splicing suggest that this variant may create or strengthen a splice site. Algorithms developed to predict the effect of missense changes on protein structure and function are either unavailable or do not agree on the potential impact of this missense change (SIFT: "Deleterious"; PolyPhen-2: "Benign"; Align-GVGD: "Class C0"). This variant has not been reported in the literature in individuals affected with LRP4-related conditions. This variant is present in population databases (rs772232191, gnomAD 0.01%). This sequence change replaces glycine, which is neutral and non-polar, with arginine, which is basic and polar, at codon 955 of the LRP4 protein (p.Gly955Arg).